The following is an entry in ClinVar:

NM_004168.4(SDHA):c.260C>T (p.Thr87Ile)

Gene: SDHA (succinate dehydrogenase complex flavoprotein subunit A; plus strand). Cytogenetic location: 5p15.33.
Variant type: single nucleotide variant.
Coding change: c.260C>T on transcript NM_004168.4 (MANE Select); coding-DNA position 260, C replaced by T.
Protein change: p.Thr87Ile; replaces threonine 87 with isoleucine.
Molecular consequence: missense variant.
Genome position (GRCh38, 1-based): chr5:224,469, C>T. VCF-style: chr5-224469-C-T. GRCh37 (hg19) VCF-style: chr5-224584-C-T.
Other names: c.260C>T, p.Thr87Ile (NM_001294332.2, NM_001330758.2); short protein forms T87I.
Identifiers: ClinVar variation 539673 (VCV000539673.15), dbSNP rs756543943, ClinGen allele CA3172758.

ClinVar aggregate classification (germline): Uncertain significance. Review status: criteria provided, multiple submitters, no conflicts (2 of 4 stars). 4 submissions from 4 submitters: Uncertain significance (4). Last evaluated 2025-12-20.

Conditions:
Dilated cardiomyopathy 1GG (CMD1GG). Identifiers: Orphanet 154, MedGen C3150898, MONDO:0013339, OMIM 613642.
Mitochondrial complex II deficiency, nuclear type 1. Also called: SUCCINATE CoQ REDUCTASE DEFICIENCY. Identifiers: Orphanet 3208, MedGen C5700310, MONDO:0100294, OMIM 252011.
Pheochromocytoma/paraganglioma syndrome 5. Also called: Paragangliomas 5; SDHA-Related Hereditary Paraganglioma-Pheochromocytoma Syndrome. Identifiers: Orphanet 29072, MedGen C3279992, MONDO:0013602, OMIM 614165.
Hereditary cancer-predisposing syndrome. Also called: Neoplastic Syndromes, Hereditary; Tumor predisposition; Hereditary neoplastic syndrome; Hereditary Cancer Syndrome. Identifiers: Orphanet 140162, MedGen C0027672, MeSH D009386, MONDO:0015356.

Allele frequency attached by ClinVar (database versions not stated): gnomAD exomes below 0.00001 and 0.00001; ExAC 0.00001; gnomAD 0.00001; TOPMed 0.00001.
gnomAD v4.1: 10 of 1,613,288 alleles (0.00062%); highest among the groups gnomAD compares: African/African-American, 0.0027%; no homozygotes.

Submissions (4):

Labcorp Genetics (formerly Invitae), Labcorp
Classification: Uncertain significance for Pheochromocytoma/paraganglioma syndrome 5; Mitochondrial complex II deficiency, nuclear type 1. Last evaluated: 2025-12-20. Review status: criteria provided, single submitter. Criteria: Invitae Variant Classification Sherloc (09022015). Collection method: clinical testing. Allele origin: germline.
Comment: This sequence change replaces threonine, which is neutral and polar, with isoleucine, which is neutral and non-polar, at codon 87 of the SDHA protein (p.Thr87Ile). This variant is present in population databases (rs756543943, gnomAD 0.007%). This variant has not been reported in the literature in individuals affected with SDHA-related conditions. ClinVar contains an entry for this variant (Variation ID: 539673). Invitae Evidence Modeling of protein sequence and biophysical properties (such as structural, functional, and spatial information, amino acid conservation, physicochemical variation, residue mobility, and thermodynamic stability) indicates that this missense variant is not expected to disrupt SDHA protein function with a negative predictive value of 95%. In summary, the available evidence is currently insufficient to determine the role of this variant in disease. Therefore, it has been classified as a Variant of Uncertain Significance.

Ambry Genetics
Classification: Uncertain significance for Hereditary cancer-predisposing syndrome. Last evaluated: 2024-05-07. Review status: criteria provided, single submitter. Criteria: Ambry Variant Classification Scheme 2023. Collection method: clinical testing. Allele origin: germline.
Comment: The p.T87I variant (also known as c.260C>T), located in coding exon 3 of the SDHA gene, results from a C to T substitution at nucleotide position 260. The threonine at codon 87 is replaced by isoleucine, an amino acid with similar properties. This alteration was identified in an individual diagnosed with breast cancer (Sandoval RL et al. PLoS One, 2021 Feb;16:e0247363). This amino acid position is highly conserved in available vertebrate species. In addition, this alteration is predicted to be deleterious by in silico analysis. Based on the available evidence, the clinical significance of this variant remains unclear.

Baylor Genetics
Classification: Uncertain significance for Dilated cardiomyopathy 1GG. Last evaluated: 2023-10-16. Review status: criteria provided, single submitter. Criteria: ACMG Guidelines, 2015. Collection method: clinical testing. Allele origin: unknown.

GeneDx
Classification: Uncertain significance. Last evaluated: 2023-08-18. Review status: criteria provided, single submitter. Criteria: GeneDx Variant Classification Process June 2021. Collection method: clinical testing. Allele origin: germline. Affected: yes.
Comment: In silico analysis supports that this missense variant has a deleterious effect on protein structure/function; Not observed at significant frequency in large population cohorts (gnomAD); Observed in an individual with breast cancer (Sandoval et al., 2021); This variant is associated with the following publications: (PMID: 33606809)

Literature cited by the submitters: PubMed 33606809 (cited by Ambry Genetics).